The following is an entry in ClinVar:

NM_003000.3(SDHB):c.662A>C (p.Asp221Ala)

Gene: SDHB (succinate dehydrogenase complex iron sulfur subunit B; minus strand). Cytogenetic location: 1p36.13.
Variant type: single nucleotide variant.
Coding change: c.662A>C on transcript NM_003000.3 (MANE Select); coding-DNA position 662, A replaced by C.
Protein change: p.Asp221Ala; replaces aspartic acid 221 with alanine.
Molecular consequence: missense variant.
Genome position (GRCh38, 1-based): chr1:17,022,711, T>G on the plus strand (A>C on the coding strand, the complement: SDHB is on the minus strand). VCF-style: chr1-17022711-T-G. GRCh37 (hg19) VCF-style: chr1-17349206-T-G.
Other names: c.608A>C, p.Asp203Ala (NM_001407361.1); short protein forms D203A, D221A.
Identifiers: ClinVar variation 4864268 (VCV004864268.1).

ClinVar aggregate classification (germline): Uncertain significance (1 of 4 stars; one submission).

Conditions:
Hereditary cancer-predisposing syndrome. Also called: Neoplastic Syndromes, Hereditary; Tumor predisposition; Hereditary Cancer Syndrome; Hereditary neoplastic syndrome. Identifiers: Orphanet 140162, MedGen C0027672, MeSH D009386, MONDO:0015356.

Submission:

Ambry Genetics
Classification: Uncertain significance for Hereditary cancer-predisposing syndrome. Last evaluated: 2026-06-03. Review status: criteria provided, single submitter. Criteria: Ambry Variant Classification Scheme 2023. Collection method: clinical testing. Allele origin: germline.
Comment: The p.D221A variant (also known as c.662A>C), located in coding exon 7 of the SDHB gene, results from an A to C substitution at nucleotide position 662. The aspartic acid at codon 221 is replaced by alanine, an amino acid with dissimilar properties. This amino acid position is conserved. In addition, this alteration is predicted to be deleterious by in silico analysis. Based on the available evidence, the clinical significance of this variant remains unclear.